The following is an entry in ClinVar:

ClinVar aggregate classification (germline): Uncertain significance (1 of 4 stars; one submission).

Conditions:
Retinitis pigmentosa 59 (RP59). Identifiers: Orphanet 791, MedGen C3151227, MONDO:0013468, OMIM 613861.

Submission:

Labcorp Genetics (formerly Invitae), Labcorp
Classification: Uncertain significance for Retinitis pigmentosa 59. Last evaluated: 2022-10-02. Review status: criteria provided, single submitter. Criteria: Invitae Variant Classification Sherloc (09022015). Collection method: clinical testing. Allele origin: germline.
Comment: Algorithms developed to predict the effect of missense changes on protein structure and function (SIFT, PolyPhen-2, Align-GVGD) all suggest that this variant is likely to be tolerated. This variant has not been reported in the literature in individuals affected with DHDDS-related conditions. This variant is not present in population databases (gnomAD no frequency). This sequence change replaces cysteine, which is neutral and slightly polar, with tyrosine, which is neutral and polar, at codon 148 of the DHDDS protein (p.Cys148Tyr). In summary, the available evidence is currently insufficient to determine the role of this variant in disease. Therefore, it has been classified as a Variant of Uncertain Significance.

NM_205861.3(DHDDS):c.443G>A (p.Cys148Tyr)

Gene: DHDDS (dehydrodolichyl diphosphate synthase subunit; plus strand). Cytogenetic location: 1p36.11.
Variant type: single nucleotide variant.
Coding change: c.443G>A on transcript NM_205861.3 (MANE Select); coding-DNA position 443, G replaced by A.
Protein change: p.Cys148Tyr; replaces cysteine 148 with tyrosine.
Molecular consequence: missense variant. On other transcripts: intron variant (1).
Genome position (GRCh38, 1-based): chr1:26,447,561, G>A. VCF-style: chr1-26447561-G-A. GRCh37 (hg19) VCF-style: chr1-26774052-G-A.
Other names: c.326G>A, p.Cys109Tyr (NM_001243565.2); c.164G>A, p.Cys55Tyr (NM_001319959.2); c.443G>A, p.Cys148Tyr (NM_024887.4); c.440+1129G>A (NM_001243564.2); short protein forms C109Y, C55Y, C148Y.
Identifiers: ClinVar variation 1947661 (VCV001947661.5), dbSNP rs2524569733, ClinGen allele CA339143073.
Genomic context (GRCh38, chr1:26,447,561, plus strand): 5'-ACTTCAATCATCAGTCCCTGTCCCCCTTTGGTAAATTATTCTCTTCTTCCCTCCTCAGGT[G>A]TTTCCTGAATGTCTGTTTTGCATACACATCCCGTCATGAGATCAGCAATGCTGTGAGAGA-3'
Protein context (NP_995583.1, residues 138-158): AVQATKNYNK[Cys148Tyr]FLNVCFAYTS